The following is an entry in ClinVar:

ClinVar aggregate classification (germline): Uncertain significance. Review status: criteria provided, multiple submitters, no conflicts (2 of 4 stars). 2 submissions from 2 submitters: Uncertain significance (2). Last evaluated 2023-10-02.

Conditions:
Hereditary cancer-predisposing syndrome. Also called: Hereditary neoplastic syndrome; Tumor predisposition; Hereditary Cancer Syndrome; Neoplastic Syndromes, Hereditary. Identifiers: Orphanet 140162, MedGen C0027672, MeSH D009386, MONDO:0015356.
Gorlin syndrome. Also called: Basal cell nevus syndrome; Nevoid Basal Cell Carcinoma Syndrome. Identifiers: Orphanet 377, MedGen C0004779, MONDO:0007187.

Allele frequency attached by ClinVar (database versions not stated): gnomAD exomes below 0.00001; TOPMed below 0.00001.
gnomAD v4.1: 1 of 1,610,190 alleles (0.000062%); highest among the groups gnomAD compares: Non-Finnish European, 0.000085%; no homozygotes.

Submissions (2):

Ambry Genetics
Classification: Uncertain significance for Hereditary cancer-predisposing syndrome. Last evaluated: 2023-10-02. Review status: criteria provided, single submitter. Criteria: Ambry Variant Classification Scheme 2023. Collection method: clinical testing. Allele origin: germline.
Comment: The p.K315E variant (also known as c.943A>G), located in coding exon 6 of the PTCH1 gene, results from an A to G substitution at nucleotide position 943. The lysine at codon 315 is replaced by glutamic acid, an amino acid with similar properties. This amino acid position is conserved. In addition, this alteration is predicted to be tolerated by in silico analysis. Since supporting evidence is limited at this time, the clinical significance of this alteration remains unclear.

Labcorp Genetics (formerly Invitae), Labcorp
Classification: Uncertain significance for Gorlin syndrome. Last evaluated: 2023-02-25. Review status: criteria provided, single submitter. Criteria: Invitae Variant Classification Sherloc (09022015). Collection method: clinical testing. Allele origin: germline.
Comment: This sequence change replaces lysine, which is basic and polar, with glutamic acid, which is acidic and polar, at codon 315 of the PTCH1 protein (p.Lys315Glu). This variant is not present in population databases (gnomAD no frequency). This variant has not been reported in the literature in individuals affected with PTCH1-related conditions. ClinVar contains an entry for this variant (Variation ID: 577471). An algorithm developed to predict the effect of missense changes on protein structure and function (PolyPhen-2) suggests that this variant is likely to be tolerated. In summary, the available evidence is currently insufficient to determine the role of this variant in disease. Therefore, it has been classified as a Variant of Uncertain Significance.

NM_000264.5(PTCH1):c.943A>G (p.Lys315Glu)

Gene: PTCH1 (patched 1; minus strand). Cytogenetic location: 9q22.32.
Variant type: single nucleotide variant.
Coding change: c.943A>G on transcript NM_000264.5 (MANE Select); coding-DNA position 943, A replaced by G.
Protein change: p.Lys315Glu; replaces lysine 315 with glutamic acid.
Molecular consequence: missense variant. On other transcripts: non-coding transcript variant (1).
Genome position (GRCh38, 1-based): chr9:95,480,392, T>C on the plus strand (A>G on the coding strand, the complement: PTCH1 is on the minus strand). VCF-style: chr9-95480392-T-C. GRCh37 (hg19) VCF-style: chr9-98242674-T-C.
Other names: c.745A>G, p.Lys249Glu (NM_001083602.3); c.940A>G, p.Lys314Glu (NM_001083603.3); c.490A>G, p.Lys164Glu (NM_001083604.3, NM_001083605.3, NM_001083606.3 and 1 more transcripts); c.943A>G, p.Lys315Glu (NM_001354918.2); short protein forms K249E, K315E, K164E, K314E.
Identifiers: ClinVar variation 577471 (VCV000577471.10), dbSNP rs1564055253, ClinGen allele CA374113614.
Genomic context (GRCh38, chr9:95,480,392, plus strand): 5'-GACACAAAAAAGTGTTTTGCTCTCCACCCTTCTGAGAGCGCTCACTGCTGGTACTCACTT[T>C]GGTTGAATTTTTGTTGGGGGCTGTGGCGGGGCAGTCTGGATCGGCCGGATTGAGGCAGGG-3'
Protein context (NP_000255.2, residues 305-325): PATAPNKNST[Lys315Glu]PLDMALVLNG